The following is an entry in ClinVar:

NM_024675.4(PALB2):c.408T>C (p.Ser136=)

Gene: PALB2 (partner and localizer of BRCA2; minus strand). Cytogenetic location: 16p12.2.
Variant type: single nucleotide variant.
Coding change: c.408T>C on transcript NM_024675.4 (MANE Select); coding-DNA position 408, T replaced by C.
Protein change: p.Ser136=; no amino-acid change (serine 136 retained).
Molecular consequence: synonymous variant. On other transcripts: 5 prime UTR variant (8), intron variant (3).
Genome position (GRCh38, 1-based): chr16:23,636,138, A>G on the plus strand (T>C on the coding strand, the complement: PALB2 is on the minus strand). VCF-style: chr16-23636138-A-G. GRCh37 (hg19) VCF-style: chr16-23647459-A-G.
Other names: c.348T>C, p.Ser116= (NM_001407296.1); c.408T>C, p.Ser136= (NM_001407297.1, NM_001407298.1, NM_001407299.1 and 3 more transcripts); c.-478T>C (NM_001407304.1, NM_001407305.1, NM_001407306.1 and 5 more transcripts); c.48+4972T>C (NM_001407314.1); c.-105+4972T>C (NM_001407313.1, NM_001407312.1).
Identifiers: ClinVar variation 1949506 (VCV001949506.7), dbSNP rs112202375, ClinGen allele CA494462207.
Genomic context (GRCh38, chr16:23,636,138, plus strand): 5'-AATAAATGTCCTCTTCTGCTGCTTCTTTCTTCTGCTTGGCAGCTTCTGCTTTTGCTCACC[A>G]CTAGGGTCACTGACCCTGTGGGGAAAATGTTCTTGGGTGTCATCTGTTCTTTGTATAGGT-3'
Protein context (NP_078951.2, residues 126-146): EHFPHRVSDP[Ser136=]GEQKQKLPSR

ClinVar aggregate classification (germline): Benign/Likely benign. Review status: criteria provided, multiple submitters, no conflicts (2 of 4 stars). 3 submissions from 3 submitters: Benign (1); Likely benign (2). Last evaluated 2025-05-10.

Conditions:
Hereditary cancer-predisposing syndrome. Also called: Hereditary neoplastic syndrome; Tumor predisposition; Hereditary Cancer Syndrome; Neoplastic Syndromes, Hereditary. Identifiers: Orphanet 140162, MedGen C0027672, MeSH D009386, MONDO:0015356.
Familial cancer of breast. Also called: BREAST CANCER, FAMILIAL; Hereditary breast cancer; hereditary breast carcinoma. Identifiers: Orphanet 227535, MedGen C0346153, MONDO:0016419, OMIM 114480. Disease mechanism: loss of function.

Submissions (3):

Ambry Genetics
Classification: Likely benign for Hereditary cancer-predisposing syndrome. Last evaluated: 2025-05-10. Review status: criteria provided, single submitter. Criteria: Ambry Variant Classification Scheme 2023. Collection method: clinical testing. Allele origin: germline.

Myriad Genetics, Inc.
Classification: Benign for Familial cancer of breast. Last evaluated: 2025-01-10. Review status: criteria provided, single submitter. Criteria: Myriad Autosomal Dominant, Autosomal Recessive and X-Linked Classification Criteria (2023). Collection method: clinical testing. Allele origin: unknown.
Comment: This variant is considered benign. This variant is a silent/synonymous amino acid change and it is not expected to impact splicing.

Labcorp Genetics (formerly Invitae), Labcorp
Classification: Likely benign for Familial cancer of breast. Last evaluated: 2023-09-04. Review status: criteria provided, single submitter. Criteria: Invitae Variant Classification Sherloc (09022015). Collection method: clinical testing. Allele origin: germline.